The following is an entry in ClinVar:

NM_170707.4(LMNA):c.564G>A (p.Leu188=)

Gene: LMNA (lamin A/C; plus strand). Cytogenetic location: 1q22.
Variant type: single nucleotide variant.
Coding change: c.564G>A on transcript NM_170707.4 (MANE Select); coding-DNA position 564, G replaced by A.
Protein change: p.Leu188=; no amino-acid change (leucine 188 retained).
Molecular consequence: synonymous variant. On other transcripts: 5 prime UTR variant (4).
Genome position (GRCh38, 1-based): chr1:156,134,453, G>A. VCF-style: chr1-156134453-G-A. GRCh37 (hg19) VCF-style: chr1-156104244-G-A.
Other names: c.228G>A, p.Leu76= (NM_001257374.3, NM_001406989.1, NM_001406998.1); c.321G>A, p.Leu107= (NM_001282624.2, NM_001406986.1, NM_001406987.1); c.564G>A, p.Leu188= (NM_001282625.2, NM_001282626.2, NM_001406983.1 and 6 more transcripts); c.267G>A, p.Leu89= (NM_001406988.1); c.6G>A, p.Leu2= (NM_001406990.1, NM_001406993.1, NM_001406995.1 and 4 more transcripts); c.-101G>A (NM_001406994.1, NM_001406999.1, NM_001407000.1 and 1 more transcripts).
Identifiers: ClinVar variation 2188589 (VCV002188589.6), dbSNP rs750762996, ClinGen allele CA053727.

ClinVar aggregate classification (germline): Likely benign. Review status: criteria provided, multiple submitters, no conflicts (2 of 4 stars). 3 submissions from 3 submitters: Likely benign (3). Last evaluated 2023-06-08.

Conditions:
Primary dilated cardiomyopathy (DCM). Also called: Dilated Cardiomyopathy. Identifiers: Orphanet 217604, MedGen C0007193, MeSH D002311, MONDO:0005021, HP:0001644. Inheritance: Various modes of inheritance.
Charcot-Marie-Tooth disease type 2. Also called: Charcot-Marie-Tooth type 2. Identifiers: Orphanet 64746, MedGen C0270914, MONDO:0018993.

Allele frequency attached by ClinVar (database versions not stated): ExAC 0.00001; gnomAD 0.00001; gnomAD exomes 0.00001; TOPMed 0.00001.
gnomAD v4.1: 6 of 1,614,086 alleles (0.00037%); highest among the groups gnomAD compares: East Asian, 0.0022%; no homozygotes.

Submissions (3):

All of Us Research Program, National Institutes of Health
Classification: Likely benign for Primary dilated cardiomyopathy. Last evaluated: 2023-06-08. Review status: criteria provided, single submitter. Criteria: ACMG Guidelines, 2015. Collection method: clinical testing. Allele origin: germline. Inheritance: Autosomal dominant inheritance. Observed: 1 variant allele, 1 heterozygote.
Comment: This study involves interpretation of variants in research participants for the purpose of population health screening. Participant phenotype was not available at the time of variant classification. Additional details can be found in publication PMID: 35346344, PMCID: PMC8962531

Labcorp Genetics (formerly Invitae), Labcorp
Classification: Likely benign for Charcot-Marie-Tooth disease type 2. Last evaluated: 2023-02-22. Review status: criteria provided, single submitter. Criteria: Invitae Variant Classification Sherloc (09022015). Collection method: clinical testing. Allele origin: germline.

Blueprint Genetics
Classification: Likely benign. Last evaluated: 2020-01-31. Review status: criteria provided, single submitter. Criteria: ACMG Guidelines, 2015. Collection method: clinical testing. Allele origin: germline.